The following is an entry in ClinVar:

NC_000007.13:g.(?_105172763)_(105195684_?)dup

Gene: RINT1 (RAD50 interactor 1; plus strand). Cytogenetic location: 7q22.3.
Variant type: Duplication.
Identifiers: ClinVar variation 1513955 (VCV001513955.5).

ClinVar aggregate classification (germline): Uncertain significance (1 of 4 stars; one submission).

Submission:

Labcorp Genetics (formerly Invitae), Labcorp
Classification: Uncertain significance. Last evaluated: 2022-01-20. Review status: criteria provided, single submitter. Criteria: Invitae Variant Classification Sherloc (09022015). Collection method: clinical testing. Allele origin: germline.
Comment: In summary, the available evidence is currently insufficient to determine the role of this variant in disease. Therefore, it has been classified as a Variant of Uncertain Significance. This variant has not been reported in the literature in individuals affected with RINT1-related conditions. This variant results in a copy number gain of the genomic region encompassing exon(s) 1-11 of the RINT1 gene. This region includes the initiator codon of the gene. This copy number gain extends beyond the assayed region for this gene and therefore may encompass additional genes. As the precise location of this event is unknown, it may be in tandem or it may be located elsewhere in the genome.